The following is an entry in ClinVar:

NM_001844.5(COL2A1):c.1972G>A (p.Ala658Thr)

Gene: COL2A1 (collagen type II alpha 1 chain; minus strand). Cytogenetic location: 12q13.11.
Variant type: single nucleotide variant.
Coding change: c.1972G>A on transcript NM_001844.5 (MANE Select); coding-DNA position 1972, G replaced by A.
Protein change: p.Ala658Thr; replaces alanine 658 with threonine.
Molecular consequence: missense variant.
Genome position (GRCh38, 1-based): chr12:47,983,706, C>T on the plus strand (G>A on the coding strand, the complement: COL2A1 is on the minus strand). VCF-style: chr12-47983706-C-T. GRCh37 (hg19) VCF-style: chr12-48377489-C-T.
Other names: c.1765G>A, p.Ala589Thr (NM_033150.3); short protein forms A589T, A658T.
Identifiers: ClinVar variation 1491362 (VCV001491362.6), dbSNP rs2136556746, ClinGen allele CA384548445.
Genomic context (GRCh38, chr12:47,983,706, plus strand): 5'-CAAAGGACTGCACAGAGAGCCTGGTCCAGCCACCTACCTGGAACCCAGATGGCCCAGGAG[C>T]ACCCTGCTCGCCTCGTTCACCAGCAGGTCCCTGCAGTGGAAAAGAAAAGGTGAGCTGAGC-3'
Protein context (NP_001835.3, residues 648-668): GPAGERGEQG[Ala658Thr]PGPSGFQGLP

ClinVar aggregate classification (germline): Uncertain significance (1 of 4 stars; one submission).

gnomAD v4.1: 1 of 1,599,634 alleles (0.000063%); highest among the groups gnomAD compares: Non-Finnish European, 0.000085%; no homozygotes.

Submission:

Labcorp Genetics (formerly Invitae), Labcorp
Classification: Uncertain significance. Last evaluated: 2022-11-03. Review status: criteria provided, single submitter. Criteria: Invitae Variant Classification Sherloc (09022015). Collection method: clinical testing. Allele origin: germline.
Comment: In summary, the available evidence is currently insufficient to determine the role of this variant in disease. Therefore, it has been classified as a Variant of Uncertain Significance. Advanced modeling of protein sequence and biophysical properties (such as structural, functional, and spatial information, amino acid conservation, physicochemical variation, residue mobility, and thermodynamic stability) performed at Invitae indicates that this missense variant is not expected to disrupt COL2A1 protein function. ClinVar contains an entry for this variant (Variation ID: 1491362). This variant has not been reported in the literature in individuals affected with COL2A1-related conditions. This variant is not present in population databases (gnomAD no frequency). This sequence change replaces alanine, which is neutral and non-polar, with threonine, which is neutral and polar, at codon 658 of the COL2A1 protein (p.Ala658Thr).